The following is an entry in ClinVar:

ClinVar aggregate classification (germline): Uncertain significance. Review status: criteria provided, multiple submitters, no conflicts (2 of 4 stars). 3 submissions from 3 submitters: Uncertain significance (3). Last evaluated 2026-06-24.

Conditions:
GNAS-related disorder. Identifiers: MedGen CN380105.

Submissions (3):

GeneDx
Classification: Uncertain significance. Last evaluated: 2026-06-24. Review status: criteria provided, single submitter. Criteria: GeneDx Variant Classification Process June 2021. Collection method: clinical testing. Allele origin: germline.
Comment: Identified in multiple patients with a GNAS-related phenotype in the published literature; please note that this variant is referred to as p.V248M using alternate nomenclature (PMID: 31886927, 25802881); Not observed at significant frequency in large population cohorts (gnomAD); In silico analysis supports that this missense variant has a deleterious effect on protein structure/function; This variant is associated with the following publications: (PMID: 31886927, 25802881)

PreventionGenetics, part of Exact Sciences
Classification: Uncertain significance for GNAS-related condition. Last evaluated: 2025-04-22. Review status: criteria provided, single submitter. Criteria: ACMG Guidelines, 2015. Collection method: clinical testing. Allele origin: germline.
Comment: The GNAS c.739G>A variant is predicted to result in the amino acid substitution p.Val247Met. This variant, also referred to as c.742G>A (p.Val248Met) in an alternate transcript (NM_001077488.2), has been reported in individuals with pseudohypoparathyroidism 1a (Table S1, Thiele et al. 2015. PubMed ID: 25802881; Supplemental Table S2, Snanoudj et al. 2020. PubMed ID: 31886927). This variant has not been reported in a large population database, indicating this variant is rare. At this time, the clinical significance of this variant is uncertain due to the absence of conclusive functional and genetic evidence.

Labcorp Genetics (formerly Invitae), Labcorp
Classification: Uncertain significance. Last evaluated: 2024-04-08. Review status: criteria provided, single submitter. Criteria: Invitae Variant Classification Sherloc (09022015). Collection method: clinical testing. Allele origin: germline.
Comment: This sequence change replaces valine, which is neutral and non-polar, with methionine, which is neutral and non-polar, at codon 247 of the GNAS protein (p.Val247Met). This variant is not present in population databases (gnomAD no frequency). This missense change has been observed in individuals with pseudohypoparathyroidism type Ia (PMID: 25802881, 31696922, 31886927). This variant is also known as p.Val248Met. ClinVar contains an entry for this variant (Variation ID: 1409939). Advanced modeling of protein sequence and biophysical properties (such as structural, functional, and spatial information, amino acid conservation, physicochemical variation, residue mobility, and thermodynamic stability) performed at Invitae indicates that this missense variant is not expected to disrupt GNAS protein function with a negative predictive value of 80%. This variant disrupts the p.Val247 amino acid residue in GNAS. Other variant(s) that disrupt this residue have been observed in individuals with GNAS-related conditions (PMID: 23281139), which suggests that this may be a clinically significant amino acid residue. In summary, the available evidence is currently insufficient to determine the role of this variant in disease. Therefore, it has been classified as a Variant of Uncertain Significance.

Literature cited by the submitters: PubMed 25802881 (cited by Labcorp Genetics (formerly Invitae), Labcorp); PubMed 31696922 (cited by Labcorp Genetics (formerly Invitae), Labcorp); PubMed 31886927 (cited by Labcorp Genetics (formerly Invitae), Labcorp); PubMed 23281139 (cited by Labcorp Genetics (formerly Invitae), Labcorp).

NM_000516.7(GNAS):c.739G>A (p.Val247Met)

Gene: GNAS (GNAS complex locus; plus strand). Cytogenetic location: 20q13.32.
Variant type: single nucleotide variant.
Coding change: c.739G>A on transcript NM_000516.7 (MANE Select); coding-DNA position 739, G replaced by A.
Protein change: p.Val247Met; replaces valine 247 with methionine.
Molecular consequence: missense variant. On other transcripts: 3 prime UTR variant (2).
Genome position (GRCh38, 1-based): chr20:58,909,704, G>A. VCF-style: chr20-58909704-G-A. GRCh37 (hg19) VCF-style: chr20-57484759-G-A.
Other names: c.739G>A (NM_000516.5); c.742G>A, p.Val248Met (NM_001077488.5); c.694G>A, p.Val232Met (NM_001077489.4); c.*600G>A (NM_001077490.3); c.562G>A, p.Val188Met (NM_001309840.2, NM_001309861.2); c.*645G>A (NM_016592.5); c.2668G>A, p.Val890Met (NM_080425.4); c.697G>A, p.Val233Met (NM_080426.4); short protein forms V232M, V890M, V188M, V233M, V247M, V248M.
Identifiers: ClinVar variation 1409939 (VCV001409939.10), dbSNP rs2146284622, ClinGen allele CA409452459.